The following is an entry in ClinVar:

NM_004738.5(VAPB):c.608A>T (p.Gln203Leu)

Gene: VAPB (VAMP associated protein B and C; plus strand). Cytogenetic location: 20q13.32.
Variant type: single nucleotide variant.
Coding change: c.608A>T on transcript NM_004738.5 (MANE Select); coding-DNA position 608, A replaced by T.
Protein change: p.Gln203Leu; replaces glutamine 203 with leucine.
Molecular consequence: missense variant. On other transcripts: synonymous variant (1), non-coding transcript variant (1).
Genome position (GRCh38, 1-based): chr20:58,444,111, A>T. VCF-style: chr20-58444111-A-T. GRCh37 (hg19) VCF-style: chr20-57019167-A-T.
Other names: c.246A>T, p.Ala82= (NM_001195677.2); short protein forms Q203L.
Identifiers: ClinVar variation 3467607 (VCV003467607.2).

ClinVar aggregate classification (germline): Uncertain significance. Review status: criteria provided, multiple submitters, no conflicts (2 of 4 stars). 2 submissions from 2 submitters: Uncertain significance (2). Last evaluated 2025-09-24.

Conditions:
Amyotrophic lateral sclerosis type 8 (ALS8). Identifiers: Orphanet 803, MedGen C1837728, MONDO:0012077, OMIM 608627.
Adult-onset proximal spinal muscular atrophy, autosomal dominant. Also called: Spinal muscular atrophy, late-onset, finkel type; FINKEL LATE-ADULT TYPE SMA. Identifiers: Orphanet 209335, MedGen C1854058, MONDO:0008453, OMIM 182980.
Inborn genetic diseases. Identifiers: MedGen C0950123, MeSH D030342.

gnomAD v4.1: 4 of 1,614,244 alleles (0.00025%); highest among the groups gnomAD compares: Admixed American, 0.0033%; no homozygotes.

Submissions (2):

Labcorp Genetics (formerly Invitae), Labcorp
Classification: Uncertain significance for Adult-onset proximal spinal muscular atrophy, autosomal dominant; Amyotrophic lateral sclerosis type 8. Last evaluated: 2025-09-24. Review status: criteria provided, single submitter. Criteria: Invitae Variant Classification Sherloc (09022015). Collection method: clinical testing. Allele origin: germline.
Comment: This sequence change replaces glutamine, which is neutral and polar, with leucine, which is neutral and non-polar, at codon 203 of the VAPB protein (p.Gln203Leu). This variant is present in population databases (rs746344958, gnomAD 0.0009%). This variant has not been reported in the literature in individuals affected with VAPB-related conditions. ClinVar contains an entry for this variant (Variation ID: 3467607). Invitae Evidence Modeling of protein sequence and biophysical properties (such as structural, functional, and spatial information, amino acid conservation, physicochemical variation, residue mobility, and thermodynamic stability) indicates that this missense variant is not expected to disrupt VAPB protein function with a negative predictive value of 80%. In summary, the available evidence is currently insufficient to determine the role of this variant in disease. Therefore, it has been classified as a Variant of Uncertain Significance.

Ambry Genetics
Classification: Uncertain significance for Inborn genetic diseases. Last evaluated: 2024-08-01. Review status: criteria provided, single submitter. Criteria: Ambry Variant Classification Scheme 2023. Collection method: clinical testing. Allele origin: germline.